The following is an entry in ClinVar:

ClinVar aggregate classification (germline): Uncertain significance (1 of 4 stars; one submission).

Conditions:
Familial adenomatous polyposis 1 (FAP1). Also called: POLYPOSIS, ADENOMATOUS INTESTINAL; FAMILIAL ADENOMATOUS POLYPOSIS 1, ATTENUATED. Identifiers: MedGen C2713442, MONDO:0021056, OMIM 175100. Disease mechanism: loss of function.

gnomAD v4.1: 1 of 1,612,536 alleles (0.000062%); highest among the groups gnomAD compares: East Asian, 0.0022%; no homozygotes.

Submission:

Labcorp Genetics (formerly Invitae), Labcorp
Classification: Uncertain significance for Familial adenomatous polyposis 1. Last evaluated: 2021-12-27. Review status: criteria provided, single submitter. Criteria: Invitae Variant Classification Sherloc (09022015). Collection method: clinical testing. Allele origin: germline.
Comment: This variant is not present in population databases (gnomAD no frequency). This variant has not been reported in the literature in individuals affected with APC-related conditions. Algorithms developed to predict the effect of missense changes on protein structure and function (SIFT, PolyPhen-2, Align-GVGD) all suggest that this variant is likely to be tolerated. In summary, the available evidence is currently insufficient to determine the role of this variant in disease. Therefore, it has been classified as a Variant of Uncertain Significance. This sequence change replaces asparagine, which is neutral and polar, with aspartic acid, which is acidic and polar, at codon 1824 of the APC protein (p.Asn1824Asp).

NM_000038.6(APC):c.5470A>G (p.Asn1824Asp)

Gene: APC (APC regulator of Wnt signaling pathway; plus strand). Cytogenetic location: 5q22.2.
Variant type: single nucleotide variant.
Coding change: c.5470A>G on transcript NM_000038.6 (MANE Select); coding-DNA position 5470, A replaced by G.
Protein change: p.Asn1824Asp; replaces asparagine 1824 with aspartic acid.
Molecular consequence: missense variant.
Genome position (GRCh38, 1-based): chr5:112,841,064, A>G. VCF-style: chr5-112841064-A-G. GRCh37 (hg19) VCF-style: chr5-112176761-A-G.
Other names: c.5470A>G, p.Asn1824Asp (NM_001127510.3, NM_001354895.2); c.5416A>G, p.Asn1806Asp (NM_001127511.3); c.5524A>G, p.Asn1842Asp (NM_001354896.2); c.5500A>G, p.Asn1834Asp (NM_001354897.2); c.5395A>G, p.Asn1799Asp (NM_001354898.2); c.5386A>G, p.Asn1796Asp (NM_001354899.2); c.5347A>G, p.Asn1783Asp (NM_001354900.2); c.5293A>G, p.Asn1765Asp (NM_001354901.2); and 5 more; short protein forms N1541D, N1765D, N1796D, N1723D, N1733D, N1806D, N1783D, N1799D.
Identifiers: ClinVar variation 1382967 (VCV001382967.6), dbSNP rs2149940978, ClinGen allele CA16033298.
Genomic context (GRCh38, chr5:112,841,064, plus strand): 5'-GTTTTCTCAGACAACAAAGATTCAAAGAAACAGAATTTGAAAAATAATTCCAAGGTCTTC[A>G]ATGATAAGCTCCCAAATAATGAAGATAGAGTCAGAGGAAGTTTTGCTTTTGATTCACCTC-3'
Protein context (NP_000029.2, residues 1814-1834): QNLKNNSKVF[Asn1824Asp]DKLPNNEDRV